The following is an entry in ClinVar:

NM_198586.3(NHLRC1):c.48G>A (p.Met16Ile)

Gene: NHLRC1 (NHL repeat containing E3 ubiquitin protein ligase 1; minus strand). Cytogenetic location: 6p22.3.
Variant type: single nucleotide variant.
Coding change: c.48G>A on transcript NM_198586.3 (MANE Select); coding-DNA position 48, G replaced by A.
Protein change: p.Met16Ile; replaces methionine 16 with isoleucine.
Molecular consequence: missense variant.
Genome position (GRCh38, 1-based): chr6:18,122,559, C>T on the plus strand (G>A on the coding strand, the complement: NHLRC1 is on the minus strand). VCF-style: chr6-18122559-C-T. GRCh37 (hg19) VCF-style: chr6-18122790-C-T.
Other names: c.48G>A (NM_198586.2); short protein forms M16I.
Identifiers: ClinVar variation 1496894 (VCV001496894.6), dbSNP rs1233490914, ClinGen allele CA362829693.

ClinVar aggregate classification (germline): Uncertain significance. Review status: criteria provided, multiple submitters, no conflicts (2 of 4 stars). 2 submissions from 2 submitters: Uncertain significance (2). Last evaluated 2025-11-20.

Conditions:
Lafora disease. Also called: Epilepsy progressive myoclonic 2. Identifiers: Orphanet 501, MedGen C0751783, MONDO:0009697.
Inborn genetic diseases. Identifiers: MedGen C0950123, MeSH D030342.

Allele frequency attached by ClinVar (database versions not stated): gnomAD exomes 0.00001.

Submissions (2):

Ambry Genetics
Classification: Uncertain significance for Inborn genetic diseases. Last evaluated: 2025-11-20. Review status: criteria provided, single submitter. Criteria: Ambry Variant Classification Scheme 2023. Collection method: clinical testing. Allele origin: germline.

Labcorp Genetics (formerly Invitae), Labcorp
Classification: Uncertain significance for Lafora disease. Last evaluated: 2021-10-05. Review status: criteria provided, single submitter. Criteria: Invitae Variant Classification Sherloc (09022015). Collection method: clinical testing. Allele origin: germline.
Comment: In summary, the available evidence is currently insufficient to determine the role of this variant in disease. Therefore, it has been classified as a Variant of Uncertain Significance. Algorithms developed to predict the effect of missense changes on protein structure and function (SIFT, PolyPhen-2, Align-GVGD) all suggest that this variant is likely to be tolerated. This variant has not been reported in the literature in individuals affected with NHLRC1-related conditions. This variant is not present in population databases (ExAC no frequency). This sequence change replaces methionine with isoleucine at codon 16 of the NHLRC1 protein (p.Met16Ile). The methionine residue is weakly conserved and there is a small physicochemical difference between methionine and isoleucine.